The following is an entry in ClinVar:

ClinVar aggregate classification (germline): Uncertain significance (1 of 4 stars; one submission).

Submission:

GeneDx
Classification: Uncertain significance. Last evaluated: 2025-03-12. Review status: criteria provided, single submitter. Criteria: GeneDx Variant Classification Process June 2021. Collection method: clinical testing. Allele origin: germline. Affected: yes.
Comment: Not observed at significant frequency in large population cohorts (gnomAD); In silico analysis supports that this missense variant has a deleterious effect on protein structure/function; Has not been previously published as pathogenic or benign to our knowledge; Variants in candidate genes are classified as variants of uncertain significance in accordance with ACMG guidelines (PMID: 25741868)

NM_003400.4(XPO1):c.2573A>C (p.His858Pro)

Gene: XPO1 (exportin 1; minus strand). Cytogenetic location: 2p15.
Variant type: single nucleotide variant.
Coding change: c.2573A>C on transcript NM_003400.4 (MANE Select); coding-DNA position 2573, A replaced by C.
Protein change: p.His858Pro; replaces histidine 858 with proline.
Molecular consequence: missense variant.
Genome position (GRCh38, 1-based): chr2:61,484,041, T>G on the plus strand (A>C on the coding strand, the complement: XPO1 is on the minus strand). VCF-style: chr2-61484041-T-G. GRCh37 (hg19) VCF-style: chr2-61711176-T-G.
Other names: c.2438A>C, p.His813Pro (NM_001410799.1); short protein forms H813P, H858P.
Identifiers: ClinVar variation 4083340 (VCV004083340.1).
Genomic context (GRCh38, chr2:61,484,041, plus strand): 5'-ATGGAATCCAAAACAAGTTTAAACTGTGTAGGTGGAATAGCAAGGAATGCTGGGAAACAA[T>G]GAGAATTGACAGCCTGAAGTAGTAAGAAAAAGTTCGTTCTATGTTCAGGATATTCTTCAA-3'
Protein context (NP_003391.1, residues 848-868): FFLLLQAVNS[His858Pro]CFPAFLAIPP